The following continues an entry in ClinVar:

NM_001009944.3(PKD1):c.7288C>T (p.Arg2430Ter)

Gene: PKD1. ClinVar aggregate classification (germline): Pathogenic. Pathogenic (14).

Submissions 13 to 16 of 16:

Molecular Genetics of Inherited Kidney Disorders Laboratory, Garvan Institute of Medical Research
Classification: Pathogenic for Autosomal dominant polycystic kidney disease. Last evaluated: 2019-01-01. Review status: criteria provided, single submitter. Criteria: ACMG Guidelines, 2015. Collection method: research. Allele origin: germline. Affected: yes.

Juno Genomics, Hangzhou Juno Genomics, Inc
Classification: Pathogenic for Polycystic kidney disease, adult type. Review status: criteria provided, single submitter. Criteria: ACMG Guidelines, 2015. Collection method: clinical testing. Allele origin: germline. Affected: yes.
Comment: Null variant in a gene where loss of function (LOF) is a known mechanism of disease.;Absent from controls (or at extremely low frequency if recessive) in Genome Aggregation Database, Exome Sequencing Project, 1000 Genomes Project, or Exome Aggregation Consortium.;The prevalence of the variant in affected individuals is significantly increased compared to the prevalence in controls.;Patient's phenotype or family history is highly specific for a disease with a single genetic etiology.

Gharavi Laboratory, Columbia University
Classification: Pathogenic. Last evaluated: 2018-09-16. Review status: no assertion criteria provided. Criteria: ACMG Guidelines, 2015. Collection method: research. Allele origin: germline. Affected: yes. Not counted in ClinVar's aggregate classification.

Department of Pathology and Laboratory Medicine, Sinai Health System
Classification: Pathogenic for Polycystic Kidney disease. Review status: no assertion criteria provided. Collection method: clinical testing. Allele origin: unknown. Affected: yes. Study: The Canadian Open Genetics Repository (COGR). Not counted in ClinVar's aggregate classification.
Comment: The PKD1 p.Arg2430X variant was identified in 14 of 2964 proband chromosomes (frequency: 0.005) from American, British, French, Thai, Korean and Chinese individuals or families with ADPKD (Yu 2011, Rossetti 2012, Rossetti 2007, Rossetti 2001, Phakdeekitcharoen 2000, Audrezet 2012, Garcia-Gonzalez 2007). The variant was also identified in dbSNP (ID: rs2432403) with â€šÃ„ÃºNAâ€šÃ„Ã¹ allele, and the ADPKD Mutation Database (definitely pathogenic). The variant was not identified in ClinVar, COGR, LOVD 3.0, PKD1-LOVD, the 1000 Genomes Project, the NHLBI GO Exome Sequencing Project or the Exome Aggregation Consortium (August 8th 2016) control databases. The p.Arg2430X variant leads to a premature stop codon at position 2430, which is predicted to lead to a truncated or absent protein and loss of function. Loss of function variants of the PKD1 gene are an established mechanism of disease in autosomal dominant polycystic kidney disease and is the type of variant expected to cause the disorder. In summary, based on the above information this variant meets our laboratoryâ€šÃ„Ã´s criteria to be classified as pathogenic.

Literature cited by the submitters: PubMed 33102977 (cited by 3 submitters); PubMed 40225921 (cited by Dasa); PubMed 11012875 (cited by 5 submitters); PubMed 27782177 (cited by Variantyx, Inc.); PubMed 30586318 (cited by Variantyx, Inc.); PubMed 36186434 (cited by Variantyx, Inc.); PubMed 31056860 (cited by Variantyx, Inc. and Athena Diagnostics); PubMed 21551026 (cited by Variantyx, Inc. and Athena Diagnostics); PubMed 20301424 (cited by Variantyx, Inc.); PubMed 30816285 (cited by Athena Diagnostics); PubMed 22185115 (cited by Athena Diagnostics); PubMed 37152951 (cited by Athena Diagnostics); PubMed 24374109 (cited by Athena Diagnostics); PubMed 33226606 (cited by Athena Diagnostics); PubMed 22508176 (cited by Athena Diagnostics); PubMed 17582161 (cited by Athena Diagnostics); PubMed 22383692 (cited by Athena Diagnostics); PubMed 32398770 (cited by Athena Diagnostics); PubMed 32457805 (cited by Athena Diagnostics); PubMed 31740684 (cited by Athena Diagnostics); PubMed 26453610 (cited by Athena Diagnostics); PubMed 24611717 (cited by Athena Diagnostics); PubMed 11115377 (cited by Athena Diagnostics).